The following is an entry in ClinVar:

ClinVar aggregate classification (germline): Uncertain significance (1 of 4 stars; one submission).

Submission:

GeneDx
Classification: Uncertain significance. Last evaluated: 2025-06-15. Review status: criteria provided, single submitter. Criteria: GeneDx Variant Classification Process June 2021. Collection method: clinical testing. Allele origin: germline. Affected: yes.
Comment: Not observed at significant frequency in large population cohorts (gnomAD); In silico analysis supports that this missense variant has a deleterious effect on protein structure/function; Has not been previously published as pathogenic or benign to our knowledge; Also known as p.(T143R)

NM_000384.3(APOB):c.509C>G (p.Thr170Arg)

Gene: APOB (apolipoprotein B; minus strand). Cytogenetic location: 2p24.1.
Variant type: single nucleotide variant.
Coding change: c.509C>G on transcript NM_000384.3 (MANE Select); coding-DNA position 509, C replaced by G.
Protein change: p.Thr170Arg; replaces threonine 170 with arginine.
Molecular consequence: missense variant.
Genome position (GRCh38, 1-based): chr2:21,037,986, G>C on the plus strand (C>G on the coding strand, the complement: APOB is on the minus strand). VCF-style: chr2-21037986-G-C. GRCh37 (hg19) VCF-style: chr2-21260858-G-C.
Other names: short protein forms T170R.
Identifiers: ClinVar variation 4537819 (VCV004537819.1).
Genomic context (GRCh38, chr2:21,037,986, plus strand): 5'-GGGCCACTGCTATCAGCTTTCTAAATCCTCACCAGAAACAACACTTGCTTGGCTTCTTCT[G>C]TCTCTGGGGGAACCAGGAGGGCAGAAATGATGCCCCTCTTGATGTTCAGGATGTAAGTAG-3'
Protein context (NP_000375.3, residues 160-180): IISALLVPPE[Thr170Arg]EEAKQVLFLD